The following is an entry in ClinVar:

ClinVar aggregate classification (germline): Uncertain significance (1 of 4 stars; one submission).

Submission:

Labcorp Genetics (formerly Invitae), Labcorp
Classification: Uncertain significance. Last evaluated: 2022-10-07. Review status: criteria provided, single submitter. Criteria: Invitae Variant Classification Sherloc (09022015). Collection method: clinical testing. Allele origin: germline.
Comment: This variant is a gross deletion of the genomic region encompassing exon(s) 5-7 of the HPGD gene, which includes the termination codon. This deletion extends beyond the assayed region for this gene and therefore may encompass additional genes. While this deletion is not anticipated to lead to nonsense mediated decay, it is expected to alter mRNA translation or result in a truncated protein product. This variant has not been reported in the literature in individuals affected with HPGD-related conditions. This variant disrupts a region of the HPGD protein in which other variant(s) (p.His156Gln) have been observed in individuals with HPGD-related conditions (PMID: 30364714). This suggests that this is a clinically significant region of the protein, and that variants that disrupt it are likely to be disease-causing. In summary, the available evidence is currently insufficient to determine the role of this variant in disease. Therefore, it has been classified as a Variant of Uncertain Significance.

Literature cited by the submitters: PubMed 30364714.

NC_000004.11:g.(?_175412477)_(175416795_?)del

Gene: HPGD (15-hydroxyprostaglandin dehydrogenase; minus strand). Cytogenetic location: 4q34.1.
Variant type: Deletion.
Identifiers: ClinVar variation 2423429 (VCV002423429.3).